The following is an entry in ClinVar:

NM_001330078.2(NRXN1):c.3365-109865C>T

Gene: NRXN1 (neurexin 1; minus strand). Cytogenetic location: 2p16.3.
Variant type: single nucleotide variant.
Coding change: c.3365-109865C>T on transcript NM_001330078.2 (MANE Select); 109865 bases into the intron before coding-DNA position 3365, C replaced by T.
Molecular consequence: intron variant. On other transcripts: missense variant (4).
Genome position (GRCh38, 1-based): chr2:50,346,835, G>A on the plus strand (C>T on the coding strand, the complement: NRXN1 is on the minus strand). VCF-style: chr2-50346835-G-A. GRCh37 (hg19) VCF-style: chr2-50573973-G-A.
Other names: c.115C>T, p.Leu39Phe (NM_001330091.2, NM_001330092.2, NM_001330097.2 and 1 more transcripts); c.3254-109865C>T (NM_001330096.2, NM_001330087.2); c.3299-109865C>T (NM_001330083.2, NM_001330084.2); c.3284-109865C>T (NM_001330088.2); c.3362-109865C>T (NM_001330093.2); c.3353-109865C>T (NM_001330094.2); c.3314-109865C>T (NM_001330095.2); c.3341-109865C>T (NM_001330082.2, NM_001330077.2); and 3 more; short protein forms L39F.
Identifiers: ClinVar variation 589884 (VCV000589884.8), dbSNP rs202059067, ClinGen allele CA1654550.

ClinVar aggregate classification (germline): Conflicting classifications of pathogenicity. Review status: criteria provided, conflicting classifications (1 of 4 stars). 2 submissions from 2 submitters: Uncertain significance (1); Likely benign (1). Last evaluated 2021-04-26.

Conditions:
Inborn genetic diseases. Identifiers: MedGen C0950123, MeSH D030342.

Allele frequency attached by ClinVar (database versions not stated): gnomAD 0.00001 and 0.00012; TOPMed 0.00002; gnomAD exomes 0.00020 and 0.00041; ExAC 0.00061; 1000 Genomes Project 30x 0.00078; 1000 Genomes Project 0.00100.
gnomAD v4.1: 312 of 1,610,152 alleles (0.019%); highest among the groups gnomAD compares: South Asian, 0.32%; 4 homozygotes.

Submissions (2):

GeneDx
Classification: Likely benign. Last evaluated: 2021-04-26. Review status: criteria provided, single submitter. Criteria: GeneDx Variant Classification Process June 2021. Collection method: clinical testing. Allele origin: germline. Affected: yes.

Ambry Genetics
Classification: Uncertain significance for Inborn genetic diseases. Last evaluated: 2016-08-04. Review status: criteria provided, single submitter. Criteria: Ambry Variant Classification Scheme 2023. Collection method: clinical testing. Allele origin: germline.
Comment: The p.L39F variant (also known as c.115C>T), located in coding exon 1 of the NRXN1 gene, results from a C to T substitution at nucleotide position 115. The leucine at codon 39 is replaced by phenylalanine, an amino acid with highly similar properties. This variant was previously reported in the SNPDatabase as rs202059067. However, this variant was not reported in population based cohorts in the following databases: NHLBI Exome Sequencing Project (ESP) and 1000 Genomes Project. In the ESP, this variant was not observed in 6502 samples (13004 alleles) with coverage at this position. This amino acid position is highly conserved in available vertebrate species. In addition, this alteration is predicted to be tolerated by in silico analysis. Since supporting evidence is limited at this time, the clinical significance of this variant remains unclear.